The following is an entry in ClinVar:

NM_001039213.4(CEACAM16):c.1012G>T (p.Val338Leu)

Genes: CEACAM16-AS1 (CEACAM16, CEACAM19 and PVR antisense RNA 1; minus strand), CEACAM16 (CEA cell adhesion molecule 16, tectorial membrane component; plus strand). Cytogenetic location: 19q13.32.
Variant type: single nucleotide variant.
Coding change: c.1012G>T on transcript NM_001039213.4 (MANE Select); coding-DNA position 1012, G replaced by T.
Protein change: p.Val338Leu; replaces valine 338 with leucine.
Molecular consequence: missense variant.
Genome position (GRCh38, 1-based): chr19:44,707,932, G>T. VCF-style: chr19-44707932-G-T. GRCh37 (hg19) VCF-style: chr19-45211204-G-T.
Other names: c.1012G>T (NM_001039213.2); short protein forms V338L.
Identifiers: ClinVar variation 1190556 (VCV001190556.8), dbSNP rs754040589, ClinGen allele CA9503211.

ClinVar aggregate classification (germline): Conflicting classifications of pathogenicity. Review status: criteria provided, conflicting classifications (1 of 4 stars). 5 submissions from 5 submitters: Uncertain significance (1); Benign (1); Likely benign (3). Last evaluated 2026-06-03.

Conditions:
CEACAM16-related disorder. Also called: CEACAM16-related condition.
Inborn genetic diseases. Identifiers: MedGen C0950123, MeSH D030342.

Allele frequency attached by ClinVar (database versions not stated): 1000 Genomes Project 30x 0.00031.
gnomAD v4.1: 73 of 1,594,992 alleles (0.0046%); highest among the groups gnomAD compares: East Asian, 0.15%; no homozygotes.

Submissions (5):

PreventionGenetics, part of Exact Sciences
Classification: Likely benign for CEACAM16-related condition. Last evaluated: 2026-06-03. Review status: criteria provided, single submitter. Criteria: ACMG Guidelines, 2015. Collection method: clinical testing. Allele origin: germline.
Comment: This variant is classified as likely benign based on ACMG/AMP sequence variant interpretation guidelines (Richards et al. 2015 PMID: 25741868, with internal and published modifications).

Labcorp Genetics (formerly Invitae), Labcorp
Classification: Benign. Last evaluated: 2025-12-03. Review status: criteria provided, single submitter. Criteria: Invitae Variant Classification Sherloc (09022015). Collection method: clinical testing. Allele origin: germline.

Blueprint Genetics
Classification: Likely benign. Last evaluated: 2024-07-10. Review status: criteria provided, single submitter. Criteria: ACMG Guidelines, 2015. Collection method: clinical testing. Allele origin: germline.

Ambry Genetics
Classification: Uncertain significance for Inborn genetic diseases. Last evaluated: 2023-02-28. Review status: criteria provided, single submitter. Criteria: Ambry Variant Classification Scheme 2023. Collection method: clinical testing. Allele origin: germline.

GeneDx
Classification: Likely benign. Last evaluated: 2020-09-23. Review status: criteria provided, single submitter. Criteria: GeneDx Variant Classification Process June 2021. Collection method: clinical testing. Allele origin: germline. Affected: yes.